The following is an entry in ClinVar:

NM_001385012.1(NBEA):c.5016T>C (p.His1672=)

Gene: NBEA (neurobeachin; plus strand). Cytogenetic location: 13q13.3.
Variant type: single nucleotide variant.
Coding change: c.5016T>C on transcript NM_001385012.1 (MANE Select); coding-DNA position 5016, T replaced by C.
Protein change: p.His1672=; no amino-acid change (histidine 1672 retained).
Molecular consequence: synonymous variant.
Genome position (GRCh38, 1-based): chr13:35,195,952, T>C. VCF-style: chr13-35195952-T-C. GRCh37 (hg19) VCF-style: chr13-35770089-T-C.
Other names: c.5007T>C, p.His1669= (NM_001379245.1); c.5016T>C, p.His1672= (NM_015678.5).
Identifiers: ClinVar variation 3025838 (VCV003025838.22), dbSNP rs372562824, ClinGen allele CA6947008.

ClinVar aggregate classification (germline): Likely benign (1 of 4 stars; one submission).

Allele frequency attached by ClinVar (database versions not stated): gnomAD exomes 0.00005; ExAC 0.00018; ESP Exome Variant Server 0.00042; TOPMed 0.00062; gnomAD 0.00067; 1000 Genomes Project 0.00140; 1000 Genomes Project 30x 0.00156.
gnomAD v4.1: 184 of 1,613,448 alleles (0.011%); highest among the groups gnomAD compares: African/African-American, 0.21%; no homozygotes.

Submission:

CeGaT Center for Human Genetics Tuebingen
Classification: Likely benign. Last evaluated: 2024-02-01. Review status: criteria provided, single submitter. Criteria: CeGaT Center For Human Genetics Tuebingen Variant Classification Criteria Version 2. Collection method: clinical testing. Allele origin: germline. Affected: yes. Observed: 1 variant allele.
Comment: NBEA: BP4, BP7, BS1